The following is an entry in ClinVar:

NM_004092.4(ECHS1):c.327G>T (p.Gln109His)

Gene: ECHS1 (enoyl-CoA hydratase, short chain 1; minus strand). Cytogenetic location: 10q26.3.
Variant type: single nucleotide variant.
Coding change: c.327G>T on transcript NM_004092.4 (MANE Select); coding-DNA position 327, G replaced by T.
Protein change: p.Gln109His; replaces glutamine 109 with histidine.
Molecular consequence: missense variant.
Genome position (GRCh38, 1-based): chr10:133,369,991, C>A on the plus strand (G>T on the coding strand, the complement: ECHS1 is on the minus strand). VCF-style: chr10-133369991-C-A. GRCh37 (hg19) VCF-style: chr10-135183495-C-A.
Other names: short protein forms Q109H.
Identifiers: ClinVar variation 430373 (VCV000430373.3), dbSNP rs201966675, ClinGen allele CA5765814.

ClinVar aggregate classification (germline): Uncertain significance (1 of 4 stars; one submission).

Allele frequency attached by ClinVar (database versions not stated): TOPMed below 0.00001; ExAC 0.00001; gnomAD 0.00001; gnomAD exomes 0.00002 and 0.00003.
gnomAD v4.1: 39 of 1,613,772 alleles (0.0024%); highest among the groups gnomAD compares: Non-Finnish European, 0.0032%; no homozygotes.

Submission:

GeneDx
Classification: Uncertain significance. Last evaluated: 2025-10-22. Review status: criteria provided, single submitter. Criteria: GeneDx Variant Classification Process June 2021. Collection method: clinical testing. Allele origin: germline. Affected: yes.
Comment: Not observed at significant frequency in large population cohorts (gnomAD); In silico analysis supports that this missense variant has a deleterious effect on protein structure/function; Has not been previously published as pathogenic or benign to our knowledge